The following is an entry in ClinVar:

ClinVar aggregate classification (germline): Uncertain significance (1 of 4 stars; one submission).

Conditions:
Cardiovascular phenotype. Identifiers: MedGen CN230736.

gnomAD v4.1: 4 of 1,533,970 alleles (0.00026%); highest among the groups gnomAD compares: African/African-American, 0.0071%; no homozygotes.

Submission:

Ambry Genetics
Classification: Uncertain significance for Cardiovascular phenotype. Last evaluated: 2024-05-11. Review status: criteria provided, single submitter. Criteria: Ambry Variant Classification Scheme 2023. Collection method: clinical testing. Allele origin: germline.
Comment: The p.G761R variant (also known as c.2281G>C), located in coding exon 17 of the TRPM4 gene, results from a G to C substitution at nucleotide position 2281. The glycine at codon 761 is replaced by arginine, an amino acid with dissimilar properties. This amino acid position is conserved. In addition, this alteration is predicted to be tolerated by in silico analysis. Based on the available evidence, the clinical significance of this variant remains unclear.

NM_017636.4(TRPM4):c.2281G>C (p.Gly761Arg)

Gene: TRPM4 (transient receptor potential cation channel subfamily M member 4; plus strand). Cytogenetic location: 19q13.33.
Variant type: single nucleotide variant.
Coding change: c.2281G>C on transcript NM_017636.4 (MANE Select); coding-DNA position 2281, G replaced by C.
Protein change: p.Gly761Arg; replaces glycine 761 with arginine.
Molecular consequence: missense variant. On other transcripts: intron variant (1).
Genome position (GRCh38, 1-based): chr19:49,196,510, G>C. VCF-style: chr19-49196510-G-C. GRCh37 (hg19) VCF-style: chr19-49699767-G-C.
Other names: c.1936G>C, p.Gly646Arg (NM_001321281.2); c.673G>C, p.Gly225Arg (NM_001321282.2); c.1759G>C, p.Gly587Arg (NM_001321283.2); c.1219G>C, p.Gly407Arg (NM_001321285.2); c.2211-3790G>C (NM_001195227.2); short protein forms G587R, G761R, G225R, G646R, G407R.
Identifiers: ClinVar variation 3329246 (VCV003329246.1).
Genomic context (GRCh38, chr19:49,196,510, plus strand): 5'-CCAGCCGAGAAGACGCCGCTGGGGGTCCCGCGCCAGTCGGGCCGTCCGGGTTGCTGCGGG[G>C]GCCGCTGCGGGGGGCGCCGGTGCCTACGCCGCTGGTTCCACTTCTGGGGCGCGCCGGTGA-3'
Protein context (NP_060106.2, residues 751-771): RQSGRPGCCG[Gly761Arg]RCGGRRCLRR